The following is an entry in ClinVar:

ClinVar aggregate classification (germline): Uncertain significance (1 of 4 stars; one submission).

Conditions:
Hereditary cancer-predisposing syndrome. Also called: Tumor predisposition; Hereditary neoplastic syndrome; Neoplastic Syndromes, Hereditary; Hereditary Cancer Syndrome. Identifiers: Orphanet 140162, MedGen C0027672, MeSH D009386, MONDO:0015356.

Submission:

Ambry Genetics
Classification: Uncertain significance for Hereditary cancer-predisposing syndrome. Last evaluated: 2019-07-25. Review status: criteria provided, single submitter. Criteria: Ambry Variant Classification Scheme 2023. Collection method: clinical testing. Allele origin: germline.
Comment: The p.K431Q variant (also known as c.1291A>C), located in coding exon 9 of the STK11 gene, results from an A to C substitution at nucleotide position 1291. The lysine at codon 431 is replaced by glutamine, an amino acid with similar properties. This amino acid position is highly conserved in available vertebrate species. In addition, this alteration is predicted to be tolerated by in silico analysis. Since supporting evidence is limited at this time, the clinical significance of this alteration remains unclear.

NM_000455.5(STK11):c.1291A>C (p.Lys431Gln)

Gene: STK11 (serine/threonine kinase 11; plus strand). Cytogenetic location: 19p13.3.
Variant type: single nucleotide variant.
Coding change: c.1291A>C on transcript NM_000455.5 (MANE Select); coding-DNA position 1291, A replaced by C.
Protein change: p.Lys431Gln; replaces lysine 431 with glutamine.
Molecular consequence: missense variant.
Genome position (GRCh38, 1-based): chr19:1,226,636, A>C. VCF-style: chr19-1226636-A-C. GRCh37 (hg19) VCF-style: chr19-1226635-A-C.
Other names: short protein forms K431Q.
Identifiers: ClinVar variation 818818 (VCV000818818.4), dbSNP rs1599932556, ClinGen allele CA402954266.